The following is an entry in ClinVar:

NM_153766.3(KCNJ1):c.842C>A (p.Thr281Lys)

Gene: KCNJ1 (potassium inwardly rectifying channel subfamily J member 1; minus strand). Cytogenetic location: 11q24.3.
Variant type: single nucleotide variant.
Coding change: c.842C>A on transcript NM_153766.3 (MANE Select); coding-DNA position 842, C replaced by A.
Protein change: p.Thr281Lys; replaces threonine 281 with lysine.
Molecular consequence: missense variant.
Genome position (GRCh38, 1-based): chr11:128,839,402, G>T on the plus strand (C>A on the coding strand, the complement: KCNJ1 is on the minus strand). VCF-style: chr11-128839402-G-T. GRCh37 (hg19) VCF-style: chr11-128709297-G-T.
Other names: c.899C>A, p.Thr300Lys (NM_000220.6); c.842C>A, p.Thr281Lys (NM_153764.3, NM_153767.4); c.893C>A, p.Thr298Lys (NM_153765.3); short protein forms T298K, T300K, T281K.
Identifiers: ClinVar variation 4712017 (VCV004712017.1).

ClinVar aggregate classification (germline): Uncertain significance (1 of 4 stars; one submission).

gnomAD v4.1: 2 of 1,614,182 alleles (0.00012%); highest among the groups gnomAD compares: Non-Finnish European, 0.00017%; no homozygotes.

Submission:

Labcorp Genetics (formerly Invitae), Labcorp
Classification: Uncertain significance. Last evaluated: 2025-02-06. Review status: criteria provided, single submitter. Criteria: Invitae Variant Classification Sherloc (09022015). Collection method: clinical testing. Allele origin: germline.
Comment: This sequence change replaces threonine, which is neutral and polar, with lysine, which is basic and polar, at codon 300 of the KCNJ1 protein (p.Thr300Lys). This variant is not present in population databases (gnomAD no frequency). This missense change has been observed in individual(s) with clinical features of Bartter syndrome (internal data). In at least one individual the data is consistent with being in trans (on the opposite chromosome) from a pathogenic variant. An algorithm developed to predict the effect of missense changes on protein structure and function (PolyPhen-2) suggests that this variant is likely to be disruptive. In summary, the available evidence is currently insufficient to determine the role of this variant in disease. Therefore, it has been classified as a Variant of Uncertain Significance.